The following is an entry in ClinVar:

NM_000784.4(CYP27A1):c.410G>A (p.Arg137Gln)

Gene: CYP27A1 (cytochrome P450 family 27 subfamily A member 1; plus strand). Cytogenetic location: 2q35.
Variant type: single nucleotide variant.
Coding change: c.410G>A on transcript NM_000784.4 (MANE Select); coding-DNA position 410, G replaced by A.
Protein change: p.Arg137Gln; replaces arginine 137 with glutamine.
Molecular consequence: missense variant.
Genome position (GRCh38, 1-based): chr2:218,809,731, G>A. VCF-style: chr2-218809731-G-A. GRCh37 (hg19) VCF-style: chr2-219674454-G-A.
Other names: short protein forms R137Q.
Identifiers: ClinVar variation 65929 (VCV000065929.50), dbSNP rs587778818, ClinGen allele CA345260.

ClinVar aggregate classification (germline): Pathogenic/Likely pathogenic. Review status: criteria provided, multiple submitters, no conflicts (2 of 4 stars). 13 submissions from 13 submitters: Pathogenic (7); Likely pathogenic (4). 2 of the submissions do not count toward it. Last evaluated 2026-01-28.

Conditions:
CYP27A1-related disorder. Also called: CYP27A1-related condition.
Cholestanol storage disease (CTX). Also called: CEREBRAL CHOLESTERINOSIS; CTX: Cerebrotendinous xanthomatosis; Cerebrotendinous Xanthomatosis. Identifiers: Orphanet 909, MedGen C0238052, MONDO:0008948, OMIM 213700.

Allele frequency attached by ClinVar (database versions not stated): gnomAD exomes 0.00002 and 0.00004; ExAC 0.00003; gnomAD 0.00004 and 0.00006; TOPMed 0.00007.
gnomAD v4.1: 44 of 1,613,972 alleles (0.0027%); highest among the groups gnomAD compares: East Asian, 0.016%; 1 homozygote.

Submissions (13):

Labcorp Genetics (formerly Invitae), Labcorp
Classification: Pathogenic for Cholestanol storage disease. Last evaluated: 2026-01-28. Review status: criteria provided, single submitter. Criteria: Invitae Variant Classification Sherloc (09022015). Collection method: clinical testing. Allele origin: germline.
Comment: This sequence change replaces arginine, which is basic and polar, with glutamine, which is neutral and polar, at codon 137 of the CYP27A1 protein (p.Arg137Gln). This variant is present in population databases (rs587778818, gnomAD 0.02%). This missense change has been observed in individual(s) with cerebrotendinous xanthomatosis (PMID: 20558929, 28623566, 29269672). In at least one individual the data is consistent with being in trans (on the opposite chromosome) from a pathogenic variant. ClinVar contains an entry for this variant (Variation ID: 65929). Invitae Evidence Modeling of protein sequence and biophysical properties (such as structural, functional, and spatial information, amino acid conservation, physicochemical variation, residue mobility, and thermodynamic stability) indicates that this missense variant is expected to disrupt CYP27A1 protein function with a positive predictive value of 95%. This variant disrupts the p.Arg137 amino acid residue in CYP27A1. Other variant(s) that disrupt this residue have been observed in individuals with CYP27A1-related conditions (PMID: 8006521, 17697869), which suggests that this may be a clinically significant amino acid residue. For these reasons, this variant has been classified as Pathogenic.

Natera, Inc.
Classification: Pathogenic for Cerebrotendinous xanthomatosis. Last evaluated: 2026-01-20. Review status: criteria provided, single submitter. Criteria: Natera Variant Classification Schema (03/2026). Collection method: clinical testing. Allele origin: germline.
Comment: The c.410G>A variant in CYP27A1 is a missense variant predicted to cause substitution of arginine to glutamine at amino acid 137. This variant is rare in the general population with a frequency below the threshold expected for the associated phenotype(s). This variant has been observed in one or more individuals affected with the associated recessive disease, as either homozygous or compound heterozygous with a second variant (PMID: 35578252, 28623566, 33977023). Additionally, this variant has been observed to segregate in affected family members (PMID: 33977023). A different variant at the same position has been determined to be Pathogenic or Likely Pathogenic. Computational prediction algorithms indicate this variant is likely to affect gene or protein function. Given the available evidence, this variant is classified as Pathogenic.

PreventionGenetics, part of Exact Sciences
Classification: Pathogenic for CYP27A1-related condition. Last evaluated: 2025-04-26. Review status: criteria provided, single submitter. Criteria: ACMG Guidelines, 2015. Collection method: clinical testing. Allele origin: germline.
Comment: The CYP27A1 c.410G>A variant is predicted to result in the amino acid substitution p.Arg137Gln. This variant, also known as p.Arg104Gln, has been reported in the compound heterozygous and homozygous state in multiple individuals with cerebrotendinous xanthomatosis (Nozue et al. 2010. PubMed ID: 20558929; Chen et al. 2017. PubMed ID: 28623566; Tada et al. 2017. PubMed ID: 29269672; Tao et al. 2019. PubMed ID: 31796091; Guenzel et al. 2021. PubMed ID: 33977023). This variant is reported in 0.020% of alleles in individuals of East Asian descent in gnomAD. An alternative variant affecting this same amino acid (p.Arg137Trp) has also been reported in association with cerebrotendinous xanthomatosis (Human Gene Mutation Database). This variant is interpreted as pathogenic.

Fulgent Genetics
Classification: Likely pathogenic for Cholestanol storage disease. Last evaluated: 2024-06-18. Review status: criteria provided, single submitter. Criteria: ACMG Guidelines, 2015. Collection method: clinical testing. Allele origin: germline.

CeGaT Center for Human Genetics Tuebingen
Classification: Likely pathogenic. Last evaluated: 2024-04-01. Review status: criteria provided, single submitter. Criteria: CeGaT Center For Human Genetics Tuebingen Variant Classification Criteria Version 2. Collection method: clinical testing. Allele origin: germline. Affected: yes. Observed: 2 variant alleles.
Comment: CYP27A1: PM3:Strong, PM2, PM5

Laboratory of Medical Genetics, National & Kapodistrian University of Athens
Classification: Pathogenic for Cholestanol storage disease. Last evaluated: 2024-02-01. Review status: criteria provided, single submitter. Criteria: ACMG Guidelines, 2015. Collection method: curation. Allele origin: germline. Affected: no.

Blueprint Genetics
Classification: Pathogenic for CYP27A1-related disorders. Last evaluated: 2022-07-13. Review status: criteria provided, single submitter. Criteria: ACMG Guidelines, 2015. Collection method: clinical testing. Allele origin: germline. Affected: yes. Observed: 5 variant alleles.

Women's Health and Genetics/Laboratory Corporation of America, LabCorp
Classification: Pathogenic for Cholestanol storage disease. Last evaluated: 2021-02-02. Review status: criteria provided, single submitter. Criteria: LabCorp Variant Classification Summary - May 2015. Collection method: clinical testing. Allele origin: germline.
Comment: Variant summary: CYP27A1 c.410G>A (p.Arg137Gln) results in a conservative amino acid change in the encoded protein sequence. Four of five in-silico tools predict a damaging effect of the variant on protein function. The variant allele was found at a frequency of 3.6e-05 in 251136 control chromosomes. c.410G>A has been reported in the literature in multiple individuals affected with Cerebrotendinous Xanthomatosis (e.g. Nozue_2010, Tada_2018, Tao_2019). These data indicate that the variant is very likely to be associated with disease. Three clinical diagnostic laboratories have submitted clinical-significance assessments for this variant to ClinVar after 2014 without evidence for independent evaluation (pathogenic n=2, VUS n=1). Based on the evidence outlined above, the variant was classified as pathogenic.

Institute of Medical Genetics and Applied Genomics, University Hospital Tübingen
Classification: Pathogenic. Last evaluated: 2020-10-23. Review status: criteria provided, single submitter. Criteria: ACMG Guidelines, 2015. Collection method: clinical testing. Allele origin: germline. Inheritance: Unknown mechanism. Affected: yes.

Revvity Omics, Revvity
Classification: Likely pathogenic for Cholestanol storage disease. Last evaluated: 2019-11-20. Review status: criteria provided, single submitter. Criteria: ACMG Guidelines, 2015. Collection method: clinical testing. Allele origin: germline.

Juno Genomics, Hangzhou Juno Genomics, Inc
Classification: Likely pathogenic for Cholestanol storage disease. Review status: criteria provided, single submitter. Criteria: ACMG Guidelines, 2015. Collection method: clinical testing. Allele origin: germline. Affected: yes.
Comment: Absent from controls (or at extremely low frequency if recessive) in Genome Aggregation Database, Exome Sequencing Project, 1000 Genomes Project, or Exome Aggregation Consortium.;Multiple lines of computational evidence support a deleterious effect on the gene or gene product (conservation, evolutionary, splicing impact, etc).;For recessive disorders, detected in trans with a pathogenic variant.;Patient's phenotype or family history is highly specific for a disease with a single genetic etiology.

Counsyl
Classification: Uncertain significance for Cholestanol storage disease. Last evaluated: 2017-03-30. Review status: no assertion criteria provided. Collection method: clinical testing. Allele origin: unknown. Not counted in ClinVar's aggregate classification.

GeneReviews
Classification: Pathogenic for Cerebrotendinous Xanthomatosis. Last evaluated: 2013-08-01. Review status: no assertion criteria provided. Collection method: curation. Allele origin: unknown. Not counted in ClinVar's aggregate classification.
ClinVar note: Converted during submission from pathologic to Pathogenic.

Literature cited by the submitters: PubMed 20558929 (cited by 3 submitters); PubMed 28623566 (cited by Labcorp Genetics (formerly Invitae), Labcorp and Natera, Inc.); PubMed 29269672 (cited by Labcorp Genetics (formerly Invitae), Labcorp and Women's Health and Genetics/Laboratory Corporation of America, LabCorp); PubMed 8006521 (cited by Labcorp Genetics (formerly Invitae), Labcorp); PubMed 17697869 (cited by Labcorp Genetics (formerly Invitae), Labcorp); PubMed 35578252 (cited by Natera, Inc.); PubMed 33977023 (cited by Natera, Inc.); PubMed 31796091 (cited by Women's Health and Genetics/Laboratory Corporation of America, LabCorp); PubMed 31450232 (cited by Women's Health and Genetics/Laboratory Corporation of America, LabCorp).